The following is an entry in ClinVar:

ClinVar aggregate classification (germline): Likely pathogenic (0 of 4 stars; one submission).

Conditions:
FANCM-related disorder. Also called: FANCM-related condition.

Submission:

PreventionGenetics, part of Exact Sciences
Classification: Likely pathogenic for FANCM-related condition. Last evaluated: 2024-04-25. Review status: no assertion criteria provided. Collection method: clinical testing. Allele origin: germline.
Comment: The FANCM c.1405_1406delAC variant is predicted to result in a frameshift and premature protein termination (p.Thr469Tyrfs*2). To our knowledge, this variant has not been reported in the literature or in a large population database, indicating this variant is rare. Frameshift variants in FANCM are expected to be pathogenic. This variant is interpreted as likely pathogenic.

NM_020937.4(FANCM):c.1405_1406del (p.Thr469fs)

Gene: FANCM (FA complementation group M; plus strand). Cytogenetic location: 14q21.2.
Variant type: Microsatellite.
Coding change: c.1405_1406del on transcript NM_020937.4 (MANE Select); coding-DNA positions 1405 to 1406, 2 bases deleted (AC; older notation c.1405_1406delAC).
Protein change: p.Thr469fs; shifts the reading frame from threonine 469.
Molecular consequence: frameshift variant.
Genome position (GRCh38, 1-based): chr14:45,159,104-45,159,105, AC deleted; deleting any 2 consecutive bases within chr14:45,159,102-45,159,105 gives the same sequence; the c. name uses the placement nearest the transcript's 3' end. VCF-style (leftmost placement, unchanged base first): chr14-45159101-AAC-A. GRCh37 (hg19) VCF-style: chr14-45628304-AAC-A.
Other names: c.1327_1328del, p.Thr443fs (NM_001308133.2); c.1405_1406del, p.Thr469fs (NM_001308134.2); short protein forms T443fs, T469fs.
Identifiers: ClinVar variation 3344810 (VCV003344810.1).